The following is an entry in ClinVar:

NM_001374385.1(ATP8B1):c.246A>G (p.Thr82=)

Gene: ATP8B1 (ATPase phospholipid transporting 8B1; minus strand). Cytogenetic location: 18q21.31.
Variant type: single nucleotide variant.
Coding change: c.246A>G on transcript NM_001374385.1 (MANE Select); coding-DNA position 246, A replaced by G.
Protein change: p.Thr82=; no amino-acid change (threonine 82 retained).
Molecular consequence: synonymous variant. On other transcripts: intron variant (1).
Genome position (GRCh38, 1-based): chr18:57,706,523, T>C on the plus strand (A>G on the coding strand, the complement: ATP8B1 is on the minus strand). VCF-style: chr18-57706523-T-C. GRCh37 (hg19) VCF-style: chr18-55373755-T-C.
Other names: c.246A>G, p.Thr82= (NM_005603.6); c.130-1855A>G (NM_001374386.1).
Identifiers: ClinVar variation 289186 (VCV000289186.57), dbSNP rs34623939, ClinGen allele CA8974913.

ClinVar aggregate classification (germline): Benign/Likely benign. Review status: criteria provided, multiple submitters, no conflicts (2 of 4 stars). 8 submissions from 8 submitters: Benign (2); Likely benign (6). Last evaluated 2026-04-14.

Conditions:
Familial intrahepatic cholestasis. Identifiers: Orphanet 284385, MedGen CN296401, MONDO:0017290.
Progressive familial intrahepatic cholestasis type 1. Also called: BYLER DISEASE; Severe ATP8B1 Deficiency (Progressive Familial Intrahepatic Cholestasis Type 1 [PFIC1]); Byler's disease. Identifiers: Orphanet 79306, MedGen C4551898, MONDO:0008892, OMIM 211600.

Allele frequency attached by ClinVar (database versions not stated): 1000 Genomes Project 0.00080; 1000 Genomes Project 30x 0.00094; TOPMed 0.00240; ESP Exome Variant Server 0.00308; gnomAD exomes 0.00319 and 0.00447; gnomAD 0.00322 and 0.00337; ExAC 0.00352.
gnomAD v4.1: 6,972 of 1,614,048 alleles (0.43%); highest among the groups gnomAD compares: Non-Finnish European, 0.52%; 15 homozygotes.

Submissions (8):

Genomenon, Inc
Classification: Benign for Familial intrahepatic cholestasis. Last evaluated: 2026-04-14. Review status: criteria provided, single submitter. Criteria: Genomenon Sequence Variant Interpretation Standards - Updated. Collection method: curation. Allele origin: germline. Affected: no.
Comment: ATP8B1 c.246A>G is a synonymous variant that retains Threonine at residue 82. This variant is present at high allele frequency in population databases. In conclusion, we classify ATP8B1 p.Thr82= (c.246A>G) as a benign variant.

Labcorp Genetics (formerly Invitae), Labcorp
Classification: Benign. Last evaluated: 2026-02-04. Review status: criteria provided, single submitter. Criteria: Invitae Variant Classification Sherloc (09022015). Collection method: clinical testing. Allele origin: germline.

CeGaT Center for Human Genetics Tuebingen
Classification: Likely benign. Last evaluated: 2026-01-01. Review status: criteria provided, single submitter. Criteria: CeGaT Center For Human Genetics Tuebingen Variant Classification Criteria Version 2. Collection method: clinical testing. Allele origin: germline. Affected: yes. Observed: 10 variant alleles.
Comment: ATP8B1: BP4, BP7, BS2

Blueprint Genetics
Classification: Likely benign. Last evaluated: 2024-11-26. Review status: criteria provided, single submitter. Criteria: ACMG Guidelines, 2015. Collection method: clinical testing. Allele origin: germline.

GeneDx
Classification: Likely benign. Last evaluated: 2018-03-12. Review status: criteria provided, single submitter. Criteria: GeneDx Variant Classification (06012015). Collection method: clinical testing. Allele origin: germline. Affected: yes.
Comment: This variant is considered likely benign or benign based on one or more of the following criteria: it is a conservative change, it occurs at a poorly conserved position in the protein, it is predicted to be benign by multiple in silico algorithms, and/or has population frequency not consistent with disease.

Illumina Laboratory Services, Illumina
Classification: Likely benign for Progressive familial intrahepatic cholestasis type 1. Last evaluated: 2017-04-27. Review status: criteria provided, single submitter. Criteria: ICSL Variant Classification Criteria 13 December 2019. Collection method: clinical testing. Allele origin: germline.
Comment: This variant was observed as part of a predisposition screen in an ostensibly healthy population. A literature search was performed for the gene, cDNA change, and amino acid change (where applicable). Publications were found based on this search. The evidence from the literature, in combination with allele frequency data from public databases where available, was sufficient to determine this variant is unlikely to cause disease. Therefore, this variant is classified as likely benign.

Eurofins Ntd Llc (ga)
Classification: Likely benign. Last evaluated: 2016-06-30. Review status: criteria provided, single submitter. Criteria: EGL Classification Definitions 2015. Collection method: clinical testing. Allele origin: germline. Observed: 1 variant allele, 1 heterozygote.

Breakthrough Genomics
Classification: Likely benign. Review status: criteria provided, single submitter. Criteria: ACMG Guidelines, 2015. Collection method: not provided. Allele origin: germline. Inheritance: Autosomal recessive inheritance. Affected: yes.

Literature cited by the submitters: PubMed 15657619 (cited by Illumina Laboratory Services, Illumina); PubMed 24260417 (cited by Illumina Laboratory Services, Illumina).